The following is an entry in ClinVar:

NM_001290060.2(SEMA3B):c.1498C>T (p.Leu500=)

Gene: SEMA3B (semaphorin 3B; plus strand). Cytogenetic location: 3p21.31.
Variant type: single nucleotide variant.
Coding change: c.1498C>T on transcript NM_001290060.2 (MANE Select); coding-DNA position 1498, C replaced by T.
Protein change: p.Leu500=; no amino-acid change (leucine 500 retained).
Molecular consequence: synonymous variant.
Genome position (GRCh38, 1-based): chr3:50,275,308, C>T. VCF-style: chr3-50275308-C-T. GRCh37 (hg19) VCF-style: chr3-50312739-C-T.
Other names: c.1495C>T, p.Leu499= (NM_001005914.3, NM_001435957.1, NM_001435958.1); c.1513C>T, p.Leu505= (NM_001290061.1); c.469C>T, p.Leu157= (NM_001290062.2, NM_001290063.2); c.1498C>T, p.Leu500= (NM_001435956.1, NM_004636.4).
Identifiers: ClinVar variation 4997711 (VCV004997711.1).
Genomic context (GRCh38, chr3:50,275,308, plus strand): 5'-GGAGGCAGGCGTGGGGTCGCCCTCGGTCAGCCCAGAGCCCCTCGTGCCCCCTAGCACCAG[C>T]TGTACGTAGCCTCGCGGAGCGCGGTGGCCCAGATCGCGTTGCACCGCTGCGCTGCCCACG-3'
Protein context (NP_001276989.1, residues 490-510): SMQISSKRHQ[Leu500=]YVASRSAVAQ

ClinVar aggregate classification (germline): Likely benign (1 of 4 stars; one submission).

Conditions:
SEMA3B-related disorder. Also called: SEMA3B-related condition.

gnomAD v4.1: 2 of 1,566,568 alleles (0.00013%); highest among the groups gnomAD compares: African/African-American, 0.0014%; no homozygotes.

Submission:

PreventionGenetics, part of Exact Sciences
Classification: Likely benign for SEMA3B-related condition. Last evaluated: 2025-07-31. Review status: criteria provided, single submitter. Criteria: ACMG Guidelines, 2015. Collection method: clinical testing. Allele origin: germline.
Comment: This variant is classified as likely benign based on ACMG/AMP sequence variant interpretation guidelines (Richards et al. 2015 PMID: 25741868, with internal and published modifications).